The following is an entry in ClinVar:

NM_001076675.3(ZNF626):c.1398T>A (p.Ser466=)

Gene: ZNF626 (zinc finger protein 626; minus strand). Cytogenetic location: 19p12.
Variant type: single nucleotide variant.
Coding change: c.1398T>A on transcript NM_001076675.3 (MANE Select); coding-DNA position 1398, T replaced by A.
Protein change: p.Ser466=; no amino-acid change (serine 466 retained).
Molecular consequence: synonymous variant.
Genome position (GRCh38, 1-based): chr19:20,624,479, A>T on the plus strand (T>A on the coding strand, the complement: ZNF626 is on the minus strand). VCF-style: chr19-20624479-A-T. GRCh37 (hg19) VCF-style: chr19-20807285-A-T.
Identifiers: ClinVar variation 2649618 (VCV002649618.24), dbSNP rs4808251, ClinGen allele CA506604710.

ClinVar aggregate classification (germline): Likely benign (1 of 4 stars; one submission).

Submission:

CeGaT Center for Human Genetics Tuebingen
Classification: Likely benign. Last evaluated: 2023-01-01. Review status: criteria provided, single submitter. Criteria: CeGaT Center For Human Genetics Tuebingen Variant Classification Criteria Version 2. Collection method: clinical testing. Allele origin: germline. Affected: yes. Observed: 1 variant allele.
Comment: ZNF626: BP4, BP7